The following is an entry in ClinVar:

NM_015338.6(ASXL1):c.3538G>C (p.Asp1180His)

Gene: ASXL1 (ASXL transcriptional regulator 1; plus strand). Cytogenetic location: 20q11.21.
Variant type: single nucleotide variant.
Coding change: c.3538G>C on transcript NM_015338.6 (MANE Select); coding-DNA position 3538, G replaced by C.
Protein change: p.Asp1180His; replaces aspartic acid 1180 with histidine.
Molecular consequence: missense variant.
Genome position (GRCh38, 1-based): chr20:32,436,250, G>C. VCF-style: chr20-32436250-G-C. GRCh37 (hg19) VCF-style: chr20-31024053-G-C.
Other names: c.3355G>C, p.Asp1119His (NM_001363734.1); short protein forms D1119H, D1180H.
Identifiers: ClinVar variation 3319299 (VCV003319299.2).

ClinVar aggregate classification (germline): Uncertain significance (1 of 4 stars; one submission).

Conditions:
Inborn genetic diseases. Identifiers: MedGen C0950123, MeSH D030342.

gnomAD v4.1: 62 of 1,614,102 alleles (0.0038%); highest among the groups gnomAD compares: Non-Finnish European, 0.0049%; no homozygotes.

Submission:

Ambry Genetics
Classification: Uncertain significance for Inborn genetic diseases. Last evaluated: 2024-12-01. Review status: criteria provided, single submitter. Criteria: Ambry Variant Classification Scheme 2023. Collection method: clinical testing. Allele origin: germline.
Comment: The p.D1180H variant (also known as c.3538G>C), located in coding exon 13 of the ASXL1 gene, results from a G to C substitution at nucleotide position 3538. The aspartic acid at codon 1180 is replaced by histidine, an amino acid with similar properties. This amino acid position is conserved. In addition, this alteration is predicted to be tolerated by in silico analysis. Based on the available evidence, the clinical significance of this variant remains unclear.